The following is an entry in ClinVar:

ClinVar aggregate classification (germline): Uncertain significance (1 of 4 stars; one submission).

Conditions:
Duchenne muscular dystrophy (DMD). Also called: MUSCULAR DYSTROPHY, PSEUDOHYPERTROPHIC PROGRESSIVE, DUCHENNE TYPE; Duchenne Muscular Dystrophy (DMD). Identifiers: Orphanet 98896, MedGen C0013264, MONDO:0010679, OMIM 310200.

Submission:

Labcorp Genetics (formerly Invitae), Labcorp
Classification: Uncertain significance for Duchenne muscular dystrophy. Last evaluated: 2021-11-04. Review status: criteria provided, single submitter. Criteria: Invitae Variant Classification Sherloc (09022015). Collection method: clinical testing. Allele origin: germline.
Comment: In summary, the available evidence is currently insufficient to determine the role of this variant in disease. Therefore, it has been classified as a Variant of Uncertain Significance. Algorithms developed to predict the effect of missense changes on protein structure and function are either unavailable or do not agree on the potential impact of this missense change (SIFT: "Deleterious"; PolyPhen-2: "Possibly Damaging"; Align-GVGD: "Class C0"). This variant has not been reported in the literature in individuals affected with DMD-related conditions. This variant is not present in population databases (gnomAD no frequency). This sequence change replaces glutamic acid, which is acidic and polar, with valine, which is neutral and non-polar, at codon 1784 of the DMD protein (p.Glu1784Val).

NM_004006.3(DMD):c.5351A>T (p.Glu1784Val)

Gene: DMD (dystrophin; minus strand). Cytogenetic location: Xp21.1.
Variant type: single nucleotide variant.
Coding change: c.5351A>T on transcript NM_004006.3 (MANE Select); coding-DNA position 5351, A replaced by T.
Protein change: p.Glu1784Val; replaces glutamic acid 1784 with valine.
Molecular consequence: missense variant.
Genome position (GRCh38, 1-based): chrX:32,348,503, T>A on the plus strand (A>T on the coding strand, the complement: DMD is on the minus strand). VCF-style: chrX-32348503-T-A. GRCh37 (hg19) VCF-style: chrX-32366620-T-A.
Other names: c.5327A>T, p.Glu1776Val (NM_000109.4); c.5339A>T, p.Glu1780Val (NM_004009.3); c.4982A>T, p.Glu1661Val (NM_004010.3); c.1328A>T, p.Glu443Val (NM_004011.4); c.1319A>T, p.Glu440Val (NM_004012.4); short protein forms E440V, E1780V, E1784V, E1661V, E1776V, E443V.
Identifiers: ClinVar variation 1389868 (VCV001389868.6), dbSNP rs2147065526, ClinGen allele CA412668059.
Genomic context (GRCh38, chrX:32,348,503, plus strand): 5'-CCCTGCTGAATTTCAGCCTCCAGTGGTTCAAGCAATTTTTGTATATCTGAGTTAAACTGC[T>A]CCAATTCCTTCAAAGGAATGGAGGCCTAAAAAAAAAGATAGTGCTACTTTAAATCAAAAT-3'
Protein context (NP_003997.2, residues 1774-1794): GKASIPLKEL[Glu1784Val]QFNSDIQKLL